The following is an entry in ClinVar:

ClinVar aggregate classification (germline): Pathogenic/Likely pathogenic. Review status: criteria provided, multiple submitters, no conflicts (2 of 4 stars). 15 submissions from 15 submitters: Pathogenic (9); Likely pathogenic (2). 4 of the submissions do not count toward it. Last evaluated 2026-01-26.

Conditions:
DNAAF11-related disorder. Also called: DNAAF11-related condition.
DNAAF11 & LRRC6-related disorders.
Primary ciliary dyskinesia. Also called: Ciliary dyskinesia. Identifiers: Orphanet 244, MedGen C0008780, MONDO:0016575, HP:0012265.
Primary ciliary dyskinesia 19. Also called: CILIARY DYSKINESIA, PRIMARY, 19, WITH OR WITHOUT SITUS INVERSUS. Identifiers: Orphanet 244, MedGen C3543826, MONDO:0013979, OMIM 614935.
Heterotaxy. Also called: Situs ambiguus; Laterality sequence. Identifiers: Orphanet 157769, MedGen C0266642, HP:0030853.

Allele frequency attached by ClinVar (database versions not stated): gnomAD 0.00010 and 0.00011; TOPMed 0.00012; gnomAD exomes 0.00015 and 0.00016; ExAC 0.00020; ESP Exome Variant Server 0.00023.
gnomAD v4.1: 240 of 1,608,062 alleles (0.015%); highest among the groups gnomAD compares: Non-Finnish European, 0.019%; no homozygotes.

Submissions (15):

Labcorp Genetics (formerly Invitae), Labcorp
Classification: Pathogenic for Primary ciliary dyskinesia 19. Last evaluated: 2026-01-26. Review status: criteria provided, single submitter. Criteria: Invitae Variant Classification Sherloc (09022015). Collection method: clinical testing. Allele origin: germline.
Comment: This sequence change replaces aspartic acid, which is acidic and polar, with histidine, which is basic and polar, at codon 146 of the LRRC6 protein (p.Asp146His). This variant is present in population databases (rs200321595, gnomAD 0.03%). This missense change has been observed in individual(s) with primary ciliary dyskinesia (PMID: 23122589, 23527195, 23891469). It has also been observed to segregate with disease in related individuals. ClinVar contains an entry for this variant (Variation ID: 39798). Invitae Evidence Modeling of protein sequence and biophysical properties (such as structural, functional, and spatial information, amino acid conservation, physicochemical variation, residue mobility, and thermodynamic stability) indicates that this missense variant is expected to disrupt LRRC6 protein function with a positive predictive value of 80%. Experimental studies have shown that this missense change affects LRRC6 function (PMID: 23527195). For these reasons, this variant has been classified as Pathogenic.

Department of Molecular Genetics, Istishari Arab Hospital
Classification: Pathogenic for Primary ciliary dyskinesia 19. Last evaluated: 2026-01-15. Review status: criteria provided, single submitter. Criteria: ACMG Guidelines, 2015. Collection method: clinical testing. Allele origin: germline. Inheritance: Autosomal recessive inheritance. Affected: yes.
Comment: The DNAAF11 variant c.436G>C creates an amino acid change from Asp to His at position 146. The variant is observed at an extremely low frequency in the gnomAD v4.1.0 dataset (total allele frequency: 0.015%). The variant has been observed in multiple (>3) unrelated individuals similarly affected with primary ciliary dyskinesia (PMID: 23122589, 23527195, 23891469). It is classified as pathogenic according to the recommendations of ACMG/AMP/ClinGen SVI guidelines.

3billion
Classification: Pathogenic for Primary ciliary dyskinesia 19. Last evaluated: 2025-11-05. Review status: criteria provided, single submitter. Criteria: ACMG Guidelines, 2015. Collection method: clinical testing. Allele origin: germline. Affected: yes.
Comment: The variant is observed at an extremely low frequency in the gnomAD v4.1.0 dataset (total allele frequency: 0.015%). Predicted Consequence/Location: Missense variant. The majority of the known disease-causing variants of this gene are variants expected to result in premature termination of the protein. In silico tool predictions suggest damaging effect of the variant on gene or gene product [3Cnet: 0.94 (> 0.75, sensitivity 0.96 and precision 0.92)]. The same nucleotide change resulting in the same amino acid change has been previously reported as pathogenic/likely pathogenic with strong evidence (ClinVar ID: VCV000039798 /PMID: 23122589). The variant has been observed in multiple (>3) similarly affected unrelated individuals (PMID: 23122589, 23527195, 23891469). Therefore, this variant is classified as Pathogenic according to the recommendation of ACMG/AMP guideline.

PreventionGenetics, part of Exact Sciences
Classification: Likely pathogenic for DNAAF11-related condition. Last evaluated: 2025-02-17. Review status: criteria provided, single submitter. Criteria: ACMG Guidelines, 2015. Collection method: clinical testing. Allele origin: germline.
Comment: The DNAAF11 c.436G>C variant is predicted to result in the amino acid substitution p.Asp146His. This variant was reported in the compound heterozygous and homozygous states in multiple patients with primary ciliary dyskinesia (Patient OP-841 in Table S2, Zariwala et al. 2013. PubMed ID: 23891469; Patient DCP339, Kott et al. 2012. PubMed ID: 23122589; Horani et al. 2013. PubMed ID: 23527195). Functional studies showed that this variant leads to defects of the dynein arms resulting in cilia dysmotility (Horani et al. 2013. PubMed ID: 23527195). This variant is reported in 0.027% of alleles in individuals of European (Non-Finnish) descent in gnomAD. This variant has been interpreted as pathogenic by multiple laboratories in ClinVar. This variant is interpreted as likely pathogenic.

Blueprint Genetics
Classification: Pathogenic for DNAAF11 & LRRC6-related disorders. Last evaluated: 2024-10-22. Review status: criteria provided, single submitter. Criteria: ACMG Guidelines, 2015. Collection method: clinical testing. Allele origin: germline. Affected: yes. Observed: 5 variant alleles.

GeneDx
Classification: Likely pathogenic. Last evaluated: 2024-08-22. Review status: criteria provided, single submitter. Criteria: GeneDx Variant Classification Process June 2021. Collection method: clinical testing. Allele origin: germline. Affected: yes.
Comment: In silico analysis supports that this missense variant has a deleterious effect on protein structure/function; This variant is associated with the following publications: (PMID: 34426522, 31589614, 38193396, 34693619, 23527195, 34215651, 33726816, 31879361, 23891469, 35768906, 31980526, 33635866, 33447612, 37077557, 23122589)

Institute Of Molecular Biology And Genetics, Federal Almazov National Medical Research Centre
Classification: Pathogenic for Primary ciliary dyskinesia. Last evaluated: 2023-12-11. Review status: criteria provided, single submitter. Criteria: ACMG Guidelines, 2015. Collection method: clinical testing. Allele origin: germline. Affected: yes. Observed: 1 variant allele.
Comment: ACMG: PP5, PP3, PM2, BP1. The variant has multiple records in ClinVar with pathogenic interpretation (Variation ID: 39798)

Ambry Genetics
Classification: Pathogenic for Primary ciliary dyskinesia. Last evaluated: 2023-09-01. Review status: criteria provided, single submitter. Criteria: Ambry Variant Classification Scheme 2023. Collection method: clinical testing. Allele origin: germline.
Comment: The p.D146H pathogenic mutation (also known as c.436G>C), located in coding exon 5 of the LRRC6 gene, results from a G to C substitution at nucleotide position 436. The aspartic acid at codon 146 is replaced by histidine, an amino acid with similar properties. This mutation was identified in the compound heterozygous state in two individuals with primary ciliary dyskinesia (PCD) and absent dynein arms (Kott E et al. Am. J. Hum. Genet., 2012 Nov;91:958-64; Zariwala MA et al. Am. J. Hum. Genet., 2013 Aug;93:336-45). It was also identified in the homozyogus state is 5 individuals with PCD from 2 unrelated families; all five individuals had absent dynein arms and three had situs abnormalities (Horani A et al. PLoS ONE, 2013 Mar;8:e59436). Based on the supporting evidence, this alteration is interpreted as a disease-causing mutation.

Clinical Genetics Laboratory, Skane University Hospital Lund
Classification: Pathogenic. Last evaluated: 2022-07-13. Review status: criteria provided, single submitter. Criteria: ACMG Guidelines, 2015. Collection method: clinical testing. Allele origin: germline. Affected: yes.

Centre for Mendelian Genomics, University Medical Centre Ljubljana
Classification: Pathogenic for Primary ciliary dyskinesia 19. Last evaluated: 2019-08-20. Review status: criteria provided, single submitter. Criteria: ACMG Guidelines, 2015. Collection method: clinical testing. Allele origin: unknown. Affected: yes.
Comment: This variant was classified as: Pathogenic. The following ACMG criteria were applied in classifying this variant: PS1,PS3,PM2,PP3.

Hadassah Hebrew University Medical Center
Classification: Pathogenic for Primary ciliary dyskinesia 19. Review status: criteria provided, single submitter. Criteria: ACMG Guidelines, 2015. Collection method: clinical testing. Allele origin: germline. Inheritance: Autosomal recessive inheritance. Affected: yes.

Clinical Genetics Laboratory, University Hospital Schleswig-Holstein
Classification: Pathogenic for Primary ciliary dyskinesia 19. Last evaluated: 2025-04-29. Review status: no assertion criteria provided. Collection method: clinical testing. Allele origin: germline. Affected: yes. Not counted in ClinVar's aggregate classification.

Pediatric Genetics Clinic, Sheba Medical Center
Classification: Pathogenic for Heterotaxy. Last evaluated: 2021-04-24. Review status: no assertion criteria provided. Collection method: research. Allele origin: inherited. Affected: yes. Observed: 1 variant allele. Not counted in ClinVar's aggregate classification.

OMIM
Classification: Pathogenic for CILIARY DYSKINESIA, PRIMARY, 19. Last evaluated: 2012-11-02. Review status: no assertion criteria provided. Collection method: literature only. Allele origin: germline. Not counted in ClinVar's aggregate classification.

GeneReviews
No classification provided. Condition: Primary ciliary dyskinesia 19. Review status: no classification provided. Collection method: literature only. Allele origin: unknown. Not counted in ClinVar's aggregate classification.

Literature cited by the submitters: PubMed 23122589 (cited by 7 submitters); PubMed 23527195 (cited by 5 submitters); PubMed 23891469 (cited by 5 submitters); PubMed 20301301 (cited by GeneReviews); NCBI Bookshelf NBK1122 (cited by GeneReviews).

NM_012472.6(DNAAF11):c.436G>C (p.Asp146His)

Gene: DNAAF11 (dynein axonemal assembly factor 11; minus strand). Cytogenetic location: 8q24.22.
Variant type: single nucleotide variant.
Coding change: c.436G>C on transcript NM_012472.6 (MANE Select); coding-DNA position 436, G replaced by C.
Protein change: p.Asp146His; replaces aspartic acid 146 with histidine.
Molecular consequence: missense variant. On other transcripts: non-coding transcript variant (1).
Genome position (GRCh38, 1-based): chr8:132,632,957, C>G on the plus strand (G>C on the coding strand, the complement: DNAAF11 is on the minus strand). VCF-style: chr8-132632957-C-G. GRCh37 (hg19) VCF-style: chr8-133645203-C-G.
Other names: LRRC6, ASP146HIS (rs200321595); c.436G>C, p.Asp146His (NM_001321961.2); c.190G>C, p.Asp64His (NM_001321962.2); c.76G>C, p.Asp26His (NM_001321963.2, NM_001321964.2, NM_001321965.2 and 1 more transcripts); c.436G>C (NM_012472.5); short protein forms D146H, D64H, D26H.
Identifiers: ClinVar variation 39798 (VCV000039798.31), dbSNP rs200321595, ClinGen allele CA343819.